The following is an entry in ClinVar:

NM_000271.5(NPC1):c.2683G>T (p.Glu895Ter)

Gene: NPC1 (NPC intracellular cholesterol transporter 1; minus strand). Cytogenetic location: 18q11.2.
Variant type: single nucleotide variant.
Coding change: c.2683G>T on transcript NM_000271.5 (MANE Select); coding-DNA position 2683, G replaced by T.
Protein change: p.Glu895Ter; replaces glutamic acid 895 with a stop codon.
Molecular consequence: nonsense.
Genome position (GRCh38, 1-based): chr18:23,539,923, C>A on the plus strand (G>T on the coding strand, the complement: NPC1 is on the minus strand). VCF-style: chr18-23539923-C-A. GRCh37 (hg19) VCF-style: chr18-21119887-C-A.
Other names: short protein forms E895*.
Identifiers: ClinVar variation 1072937 (VCV001072937.9), dbSNP rs2145373524, ClinGen allele CA401792876.

ClinVar aggregate classification (germline): Pathogenic (1 of 4 stars; one submission).

Conditions:
Niemann-Pick disease, type C1. Also called: NEUROVISCERAL STORAGE DISEASE WITH VERTICAL SUPRANUCLEAR OPHTHALMOPLEGIA; NIEMANN-PICK DISEASE WITH CHOLESTEROL ESTERIFICATION BLOCK; NIEMANN-PICK DISEASE WITHOUT SPHINGOMYELINASE DEFICIENCY; NIEMANN-PICK DISEASE, CHRONIC NEURONOPATHIC FORM; NIEMANN-PICK DISEASE, VARIANT TYPE C1. Identifiers: Orphanet 646, MedGen C3179455, MONDO:0009757, OMIM 257220.

Submission:

Labcorp Genetics (formerly Invitae), Labcorp
Classification: Pathogenic for Niemann-Pick disease, type C1. Last evaluated: 2023-03-21. Review status: criteria provided, single submitter. Criteria: Invitae Variant Classification Sherloc (09022015). Collection method: clinical testing. Allele origin: germline.
Comment: This sequence change creates a premature translational stop signal (p.Glu895*) in the NPC1 gene. It is expected to result in an absent or disrupted protein product. Loss-of-function variants in NPC1 are known to be pathogenic (PMID: 9211850). This variant is not present in population databases (gnomAD no frequency). This premature translational stop signal has been observed in individual(s) with supranuclear gaze palsy (Invitae). ClinVar contains an entry for this variant (Variation ID: 1072937). For these reasons, this variant has been classified as Pathogenic.

Literature cited by the submitters: PubMed 9211850.